The following is an entry in ClinVar:

ClinVar aggregate classification (germline): Uncertain significance. Review status: criteria provided, multiple submitters, no conflicts (2 of 4 stars). 2 submissions from 2 submitters: Uncertain significance (2). Last evaluated 2026-01-08.

Allele frequency attached by ClinVar (database versions not stated): ESP Exome Variant Server 0.00054; ExAC 0.00030.
gnomAD v4.1: 499 of 1,602,332 alleles (0.031%); highest among the groups gnomAD compares: Non-Finnish European, 0.039%; no homozygotes.

Submissions (2):

Labcorp Genetics (formerly Invitae), Labcorp
Classification: Uncertain significance. Last evaluated: 2026-01-08. Review status: criteria provided, single submitter. Criteria: Invitae Variant Classification Sherloc (09022015). Collection method: clinical testing. Allele origin: germline.
Comment: This sequence change replaces valine, which is neutral and non-polar, with leucine, which is neutral and non-polar, at codon 45 of the EFNA4 protein (p.Val45Leu). This variant is present in population databases (rs142249822, gnomAD 0.06%), and has an allele count higher than expected for a pathogenic variant. This variant has not been reported in the literature in individuals affected with EFNA4-related conditions. ClinVar contains an entry for this variant (Variation ID: 2281424). An algorithm developed to predict the effect of missense changes on protein structure and function (PolyPhen-2) suggests that this variant is likely to be tolerated. In summary, the available evidence is currently insufficient to determine the role of this variant in disease. Therefore, it has been classified as a Variant of Uncertain Significance.

Ambry Genetics
Classification: Uncertain significance. Last evaluated: 2025-02-07. Review status: criteria provided, single submitter. Criteria: Ambry Variant Classification Scheme 2023. Collection method: clinical testing. Allele origin: germline.

NM_005227.3(EFNA4):c.133G>C (p.Val45Leu)

Genes: ADAM15-EFNA4 (ADAM15-EFNA4 readthrough; plus strand), EFNA4 (ephrin A4; plus strand), EFNA4-EFNA3 (EFNA4-EFNA3 readthrough; plus strand). Cytogenetic location: 1q21.3.
Variant type: single nucleotide variant.
Coding change: c.133G>C on transcript NM_005227.3 (MANE Select); coding-DNA position 133, G replaced by C.
Protein change: p.Val45Leu; replaces valine 45 with leucine.
Molecular consequence: missense variant.
Genome position (GRCh38, 1-based): chr1:155,066,749, G>C. VCF-style: chr1-155066749-G-C. GRCh37 (hg19) VCF-style: chr1-155039225-G-C.
Other names: c.-96G>C (NM_001406810.1); c.133G>C, p.Val45Leu (NM_182689.2, NM_182690.3); short protein forms V45L.
Identifiers: ClinVar variation 2281424 (VCV002281424.6), dbSNP rs142249822, ClinGen allele CA1137564.